The following is an entry in ClinVar:

NM_020937.4(FANCM):c.3235A>T (p.Ser1079Cys)

Gene: FANCM (FA complementation group M; plus strand). Cytogenetic location: 14q21.2.
Variant type: single nucleotide variant.
Coding change: c.3235A>T on transcript NM_020937.4 (MANE Select); coding-DNA position 3235, A replaced by T.
Protein change: p.Ser1079Cys; replaces serine 1079 with cysteine.
Molecular consequence: missense variant.
Genome position (GRCh38, 1-based): chr14:45,175,989, A>T. VCF-style: chr14-45175989-A-T. GRCh37 (hg19) VCF-style: chr14-45645192-A-T.
Other names: c.3235A>T (LRG_502t1); c.3157A>T, p.Ser1053Cys (NM_001308133.2); short protein forms S1053C, S1079C.
Identifiers: ClinVar variation 640910 (VCV000640910.25), dbSNP rs146065064, ClinGen allele CA7169483.

ClinVar aggregate classification (germline): Uncertain significance. Review status: criteria provided, multiple submitters, no conflicts (2 of 4 stars). 6 submissions from 6 submitters: Uncertain significance (6). Last evaluated 2025-01-20.

Conditions:
Fanconi anemia (FA). Also called: Fanconi's anemia. Identifiers: Orphanet 84, MedGen C0015625, MeSH D005199, MONDO:0019391.
Inborn genetic diseases. Identifiers: MedGen C0950123, MeSH D030342.
Spermatogenic failure 28. Identifiers: MedGen C4748117, MONDO:0054732, OMIM 618086.
Premature ovarian failure 15. Identifiers: MedGen C4748170, MONDO:0054862, OMIM 618096.

Allele frequency attached by ClinVar (database versions not stated): gnomAD exomes 0.00003 and 0.00004; ExAC 0.00006; ESP Exome Variant Server 0.00015; 1000 Genomes Project 0.00020; gnomAD 0.00026; TOPMed 0.00028; 1000 Genomes Project 30x 0.00031.

Submissions (6):

Labcorp Genetics (formerly Invitae), Labcorp
Classification: Uncertain significance for Fanconi anemia. Last evaluated: 2025-01-20. Review status: criteria provided, single submitter. Criteria: Invitae Variant Classification Sherloc (09022015). Collection method: clinical testing. Allele origin: germline.
Comment: This sequence change replaces serine, which is neutral and polar, with cysteine, which is neutral and slightly polar, at codon 1079 of the FANCM protein (p.Ser1079Cys). This variant is present in population databases (rs146065064, gnomAD 0.08%). This variant has not been reported in the literature in individuals affected with FANCM-related conditions. ClinVar contains an entry for this variant (Variation ID: 640910). An algorithm developed to predict the effect of missense changes on protein structure and function outputs the following: PolyPhen-2: "Benign". The cysteine amino acid residue is found in multiple mammalian species, which suggests that this missense change does not adversely affect protein function. In summary, the available evidence is currently insufficient to determine the role of this variant in disease. Therefore, it has been classified as a Variant of Uncertain Significance.

Ambry Genetics
Classification: Uncertain significance for Inborn genetic diseases. Last evaluated: 2024-11-18. Review status: criteria provided, single submitter. Criteria: Ambry Variant Classification Scheme 2023. Collection method: clinical testing. Allele origin: germline.
Comment: The p.S1079C variant (also known as c.3235A>T), located in coding exon 14 of the FANCM gene, results from an A to T substitution at nucleotide position 3235. The serine at codon 1079 is replaced by cysteine, an amino acid with dissimilar properties. This amino acid position is conserved. In addition, this alteration is predicted to be tolerated by in silico analysis. Based on the available evidence, the clinical significance of this variant remains unclear.

Quest Diagnostics Nichols Institute San Juan Capistrano
Classification: Uncertain significance. Last evaluated: 2024-07-12. Review status: criteria provided, single submitter. Criteria: Quest Diagnostics criteria. Collection method: clinical testing. Allele origin: unknown.
Comment: The FANCM c.3235A>T (p.Ser1079Cys) variant has been reported in the published literature in an individual at high risk for breast/ovarian cancer who carried other genetic variants (PMID: 38874686 (2024)). The frequency of this variant in the general population, 0.00073 (18/24682 chromosomes in African/African American subpopulation (Genome Aggregation Database)), is higher than would generally be expected for pathogenic variants in this gene. Analysis of this variant using bioinformatics tools for the prediction of the effect of amino acid changes on protein structure and function yielded conflicting predictions that this variant is benign or damaging. Based on the available information, we are unable to determine the clinical significance of this variant.

GeneDx
Classification: Uncertain significance. Last evaluated: 2023-12-07. Review status: criteria provided, single submitter. Criteria: GeneDx Variant Classification Process June 2021. Collection method: clinical testing. Allele origin: germline. Affected: yes.
Comment: In silico analysis supports that this missense variant does not alter protein structure/function; Has not been previously published as pathogenic or benign to our knowledge

Fulgent Genetics
Classification: Uncertain significance for Spermatogenic failure 28; Premature ovarian failure 15. Last evaluated: 2022-02-08. Review status: criteria provided, single submitter. Criteria: ACMG Guidelines, 2015. Collection method: clinical testing. Allele origin: unknown.

Genetic Services Laboratory, University of Chicago
Classification: Uncertain significance. Last evaluated: 2020-06-09. Review status: criteria provided, single submitter. Criteria: ACMG Guidelines, 2015. Collection method: clinical testing. Allele origin: germline. Affected: no.
Comment: DNA sequence analysis of the FANCM gene demonstrated a sequence change, c.3235A>T, in exon 14 that results in an amino acid change, p.Ser1079Cys. This sequence change does not appear to have been previously described in patients with FANCM-related disorders and has been described in the gnomAD database with a low population frequency of 0.073% in the African subpopulation (dbSNP rs146065064). The p.Ser1079Cys change affects a poorly conserved amino acid residue located in a domain of the FANCM protein that is not known to be functional. In-silico pathogenicity prediction tools (SIFT, PolyPhen2, Align GVGD, REVEL) provide contradictory results for the p.Ser1079Cys substitution. Due to these contrasting evidences and the lack of functional studies, the clinical significance of the p.Ser1079Cys change remains unknown at this time.

Literature cited by the submitters: PubMed 38874686 (cited by Quest Diagnostics Nichols Institute San Juan Capistrano).